The following is an entry in ClinVar:

NM_000104.4(CYP1B1):c.1253C>T (p.Thr418Ile)

Gene: CYP1B1 (cytochrome P450 family 1 subfamily B member 1; minus strand). Cytogenetic location: 2p22.2.
Variant type: single nucleotide variant.
Coding change: c.1253C>T on transcript NM_000104.4 (MANE Select); coding-DNA position 1253, C replaced by T.
Protein change: p.Thr418Ile; replaces threonine 418 with isoleucine.
Molecular consequence: missense variant.
Genome position (GRCh38, 1-based): chr2:38,071,101, G>A on the plus strand (C>T on the coding strand, the complement: CYP1B1 is on the minus strand). VCF-style: chr2-38071101-G-A. GRCh37 (hg19) VCF-style: chr2-38298244-G-A.
Other names: short protein forms T418I.
Identifiers: ClinVar variation 999204 (VCV000999204.9), dbSNP rs1682424004, ClinGen allele CA346327542.

ClinVar aggregate classification (germline): Uncertain significance (1 of 4 stars; one submission).

Conditions:
Congenital glaucoma. Identifiers: MedGen C0020302, MONDO:0020366.

Allele frequency attached by ClinVar (database versions not stated): gnomAD exomes below 0.00001.
gnomAD v4.1: 3 of 1,612,564 alleles (0.00019%); highest among the groups gnomAD compares: Non-Finnish European, 0.00025%; no homozygotes.

Submission:

Labcorp Genetics (formerly Invitae), Labcorp
Classification: Uncertain significance for Congenital glaucoma. Last evaluated: 2022-06-09. Review status: criteria provided, single submitter. Criteria: Invitae Variant Classification Sherloc (09022015). Collection method: clinical testing. Allele origin: germline.
Comment: This sequence change replaces threonine, which is neutral and polar, with isoleucine, which is neutral and non-polar, at codon 418 of the CYP1B1 protein (p.Thr418Ile). In summary, the available evidence is currently insufficient to determine the role of this variant in disease. Therefore, it has been classified as a Variant of Uncertain Significance. Advanced modeling of protein sequence and biophysical properties (such as structural, functional, and spatial information, amino acid conservation, physicochemical variation, residue mobility, and thermodynamic stability) performed at Invitae indicates that this missense variant is expected to disrupt CYP1B1 protein function. ClinVar contains an entry for this variant (Variation ID: 999204). This variant has not been reported in the literature in individuals affected with CYP1B1-related conditions. This variant is not present in population databases (gnomAD no frequency).